The following is an entry in ClinVar:

ClinVar aggregate classification (germline): Uncertain significance (1 of 4 stars; one submission).

Conditions:
Jeune thoracic dystrophy. Also called: Jeune syndrome; Infantile thoracic dystrophy; Thoracic pelvic phalangeal dystrophy; Jeune's syndrome; Chondroectodermal dysplasia-like syndrome; Short-rib thoracic dysplasia. Identifiers: Orphanet 474, MedGen C0265275, MONDO:0018770.

Allele frequency attached by ClinVar (database versions not stated): gnomAD exomes 0.00001 and 0.00002; TOPMed 0.00001; ExAC 0.00004.
gnomAD v4.1: 5 of 1,578,826 alleles (0.00032%); highest among the groups gnomAD compares: Admixed American, 0.0093%; no homozygotes.

Submission:

Labcorp Genetics (formerly Invitae), Labcorp
Classification: Uncertain significance for Jeune thoracic dystrophy. Last evaluated: 2022-08-23. Review status: criteria provided, single submitter. Criteria: Invitae Variant Classification Sherloc (09022015). Collection method: clinical testing. Allele origin: germline.
Comment: This sequence change replaces valine, which is neutral and non-polar, with glutamic acid, which is acidic and polar, at codon 85 of the DYNC2H1 protein (p.Val85Glu). This variant is present in population databases (rs775389478, gnomAD 0.02%). This variant has not been reported in the literature in individuals affected with DYNC2H1-related conditions. ClinVar contains an entry for this variant (Variation ID: 665199). Advanced modeling of protein sequence and biophysical properties (such as structural, functional, and spatial information, amino acid conservation, physicochemical variation, residue mobility, and thermodynamic stability) performed at Invitae indicates that this missense variant is not expected to disrupt DYNC2H1 protein function. In summary, the available evidence is currently insufficient to determine the role of this variant in disease. Therefore, it has been classified as a Variant of Uncertain Significance.

NM_001377.3(DYNC2H1):c.254T>A (p.Val85Glu)

Gene: DYNC2H1 (dynein cytoplasmic 2 heavy chain 1; plus strand). Cytogenetic location: 11q22.3.
Variant type: single nucleotide variant.
Coding change: c.254T>A on transcript NM_001377.3 (MANE Select); coding-DNA position 254, T replaced by A.
Protein change: p.Val85Glu; replaces valine 85 with glutamic acid.
Molecular consequence: missense variant.
Genome position (GRCh38, 1-based): chr11:103,113,595, T>A. VCF-style: chr11-103113595-T-A. GRCh37 (hg19) VCF-style: chr11-102984324-T-A.
Other names: c.254T>A, p.Val85Glu (NM_001080463.2); short protein forms V85E.
Identifiers: ClinVar variation 665199 (VCV000665199.6), dbSNP rs775389478, ClinGen allele CA6252439.